The following is an entry in ClinVar:

NM_007294.4(BRCA1):c.4808C>T (p.Pro1603Leu)

Gene: BRCA1 (BRCA1 DNA repair associated; minus strand). Cytogenetic location: 17q21.31.
Variant type: single nucleotide variant.
Coding change: c.4808C>T on transcript NM_007294.4 (MANE Select); coding-DNA position 4808, C replaced by T.
Protein change: p.Pro1603Leu; replaces proline 1603 with leucine.
Molecular consequence: missense variant. On other transcripts: non-coding transcript variant (1).
Genome position (GRCh38, 1-based): chr17:43,071,106, G>A on the plus strand (C>T on the coding strand, the complement: BRCA1 is on the minus strand). VCF-style: chr17-43071106-G-A. GRCh37 (hg19) VCF-style: chr17-41223123-G-A.
Other names: c.4727C>T, p.Pro1576Leu (NM_001407658.1, NM_001407656.1, NM_001407657.1); c.4724C>T, p.Pro1575Leu (NM_001407659.1, NM_001407661.1, NM_001407660.1 and 2 more transcripts); c.4730C>T, p.Pro1577Leu (NM_001407655.1, NM_001407653.1, NM_001407654.1); c.1364C>T, p.Pro455Leu (NM_001408451.1); c.1358C>T, p.Pro453Leu (NM_001408452.1, NM_001408453.1, NM_001408454.1 and 3 more transcripts); c.1355C>T, p.Pro452Leu (NM_001408458.1, NM_001408459.1, NM_001408460.1 and 7 more transcripts); c.1352C>T, p.Pro451Leu (NM_001408468.1, NM_001408469.1, NM_001408470.1); c.1496C>T, p.Pro499Leu (NM_001408472.1, NM_007298.4, NM_007299.4 and 13 more transcripts); and 70 more; short protein forms P1603L, P1556L, P1624L, P499L, P1449L, P1491L, P1515L, P1560L.
Identifiers: ClinVar variation 419702 (VCV000419702.12), dbSNP rs1064794054, ClinGen allele CA10591902.

ClinVar aggregate classification (germline): Uncertain significance. Review status: criteria provided, multiple submitters, no conflicts (2 of 4 stars). 3 submissions from 3 submitters: Uncertain significance (3). Last evaluated 2022-12-12.

Conditions:
Hereditary breast ovarian cancer syndrome. Also called: Hereditary breast and ovarian cancer; Hereditary breast and/or ovarian cancer syndrome; Hereditary breast and ovarian cancer syndrome; Hereditary breast and ovarian cancer syndrome (HBOC); Breast and ovarian cancer; BRCA1- and BRCA2-Associated Hereditary Breast and Ovarian Cancer. Identifiers: Orphanet 145, MedGen C0677776, MeSH D061325, MONDO:0003582. Disease mechanism: loss of function.

Submissions (3):

Women's Health and Genetics/Laboratory Corporation of America, LabCorp
Classification: Uncertain significance. Last evaluated: 2022-12-12. Review status: criteria provided, single submitter. Criteria: LabCorp Variant Classification Summary - May 2015. Collection method: clinical testing. Allele origin: germline.
Comment: Variant summary: BRCA1 c.4808C>T (p.Pro1603Leu) results in a non-conservative amino acid change in the encoded protein sequence. Four of five in-silico tools predict a benign effect of the variant on protein function. The variant was absent in 251398 control chromosomes. The available data on variant occurrences in the general population are insufficient to allow any conclusion about variant significance. c.4808C>T has been reported in the literature in at least one individual affected with Hereditary Breast And Ovarian Cancer Syndrome (e.g. Tung_2014). The report does not provide unequivocal conclusions about association of the variant with Hereditary Breast And Ovarian Cancer Syndrome. To our knowledge, no experimental evidence demonstrating an impact on protein function has been reported. Two clinical diagnostic laboratories have submitted clinical-significance assessments for this variant to ClinVar after 2014, and both laboratories classified the variant as uncertain significance. Based on the evidence outlined above, the variant was classified as uncertain significance.

Labcorp Genetics (formerly Invitae), Labcorp
Classification: Uncertain significance for Hereditary breast ovarian cancer syndrome. Last evaluated: 2018-03-27. Review status: criteria provided, single submitter. Criteria: Invitae Variant Classification Sherloc (09022015). Collection method: clinical testing. Allele origin: germline.
Comment: In summary, the available evidence is currently insufficient to determine the role of this variant in disease. Therefore, it has been classified as a Variant of Uncertain Significance. Algorithms developed to predict the effect of missense changes on protein structure and function (SIFT, PolyPhen-2, Align-GVGD) all suggest that this variant is likely to be tolerated, but these predictions have not been confirmed by published functional studies and their clinical significance is uncertain. This variant has not been reported in the literature in individuals with BRCA1-related disease. ClinVar contains an entry for this variant (Variation ID: 419702). This variant is not present in population databases (ExAC no frequency). This sequence change replaces proline with leucine at codon 1603 of the BRCA1 protein (p.Pro1603Leu). The proline residue is moderately conserved and there is a moderate physicochemical difference between proline and leucine.

GeneDx
Classification: Uncertain significance. Last evaluated: 2015-08-13. Review status: criteria provided, single submitter. Criteria: GeneDx Variant Classification (06012015). Collection method: clinical testing. Allele origin: germline. Affected: yes.
Comment: This variant is denoted BRCA1 c.4808C>T at the cDNA level, p.Pro1603Leu (P1603L) at the protein level, and results in the change of a Proline to a Leucine (CCC>CTC). Using alternate nomenclature, this variant would be defined as BRCA1 4927C>T. This variant has not, to our knowledge, been published in the literature as pathogenic or benign. BRCA1 Pro1603Leu was not observed in approximately 6,500 individuals of European and African American ancestry in the NHLBI Exome Sequencing Project, indicating it is not a common benign variant in these populations. Since Proline and Leucine differ in some properties, this is considered a semi-conservative amino acid substitution. BRCA1 Pro1603Leu occurs at a position that is not conserved and is not located in a known functional domain (UniProt). In silico analyses predict that this variant is unlikely to alter protein structure or function. Based on currently available information, it is unclear whether BRCA1 Pro1603Leu is pathogenic or benign. We consider it to be a variant of uncertain significance.

Literature cited by the submitters: PubMed 25186627 (cited by Women's Health and Genetics/Laboratory Corporation of America, LabCorp).